The following is an entry in ClinVar:

ClinVar aggregate classification (germline): Conflicting classifications of pathogenicity. Review status: criteria provided, conflicting classifications (1 of 4 stars). 4 submissions from 4 submitters: Uncertain significance (3); Likely benign (1). Last evaluated 2025-11-05.

Conditions:
Birt-Hogg-Dube syndrome. Also called: Birt Hogg Dubé syndrome. Identifiers: Orphanet 122, MedGen C0346010, MONDO:0800444.
Hereditary cancer-predisposing syndrome. Also called: Hereditary neoplastic syndrome; Neoplastic Syndromes, Hereditary; Tumor predisposition; Hereditary Cancer Syndrome. Identifiers: Orphanet 140162, MedGen C0027672, MeSH D009386, MONDO:0015356.

Allele frequency attached by ClinVar (database versions not stated): TOPMed 0.00001; gnomAD 0.00002; gnomAD exomes 0.00002.

Submissions (4):

Labcorp Genetics (formerly Invitae), Labcorp
Classification: Uncertain significance for Birt-Hogg-Dube syndrome. Last evaluated: 2025-11-05. Review status: criteria provided, single submitter. Criteria: Invitae Variant Classification Sherloc (09022015). Collection method: clinical testing. Allele origin: germline.
Comment: This sequence change replaces arginine, which is basic and polar, with tryptophan, which is neutral and slightly polar, at codon 392 of the FLCN protein (p.Arg392Trp). This variant is present in population databases (no rsID available, gnomAD 0.006%). This variant has not been reported in the literature in individuals affected with FLCN-related conditions. ClinVar contains an entry for this variant (Variation ID: 409405). An algorithm developed to predict the effect of missense changes on protein structure and function (PolyPhen-2) suggests that this variant is likely to be tolerated. In summary, the available evidence is currently insufficient to determine the role of this variant in disease. Therefore, it has been classified as a Variant of Uncertain Significance.

Center for Genomic Medicine, Rigshospitalet, Copenhagen University Hospital
Classification: Uncertain significance. Last evaluated: 2025-03-04. Review status: criteria provided, single submitter. Criteria: ACMG Guidelines, 2015. Collection method: clinical testing. Allele origin: germline.

Ambry Genetics
Classification: Likely benign for Hereditary cancer-predisposing syndrome. Last evaluated: 2024-01-08. Review status: criteria provided, single submitter. Criteria: Ambry Variant Classification Scheme 2023. Collection method: clinical testing. Allele origin: germline.

ARUP Laboratories, Molecular Genetics and Genomics, ARUP Laboratories
Classification: Uncertain significance. Last evaluated: 2023-08-07. Review status: criteria provided, single submitter. Criteria: ARUP Molecular Germline Variant Investigation Process 2024. Collection method: clinical testing. Allele origin: germline.
Comment: The FLCN c.1174C>T; p.Arg392Trp variant (rs1060502374), to our knowledge, is not reported in the medical literature but is reported in ClinVar (Variation ID: 409405). This variant is only observed on one allele in the Genome Aggregation Database, indicating it is not a common polymorphism. Computational analyses are uncertain whether this variant is neutral or deleterious (REVEL: 0.665). However, given the lack of clinical and functional data, the significance of this variant is uncertain at this time.

NM_144997.7(FLCN):c.1174C>T (p.Arg392Trp)

Gene: FLCN (folliculin; minus strand). Cytogenetic location: 17p11.2.
Variant type: single nucleotide variant.
Coding change: c.1174C>T on transcript NM_144997.7 (MANE Select); coding-DNA position 1174, C replaced by T.
Protein change: p.Arg392Trp; replaces arginine 392 with tryptophan.
Molecular consequence: missense variant.
Genome position (GRCh38, 1-based): chr17:17,217,071, G>A on the plus strand (C>T on the coding strand, the complement: FLCN is on the minus strand). VCF-style: chr17-17217071-G-A. GRCh37 (hg19) VCF-style: chr17-17120385-G-A.
Other names: c.1174C>T (LRG_325t1); c.1228C>T, p.Arg410Trp (NM_001353229.2); c.1174C>T, p.Arg392Trp (NM_001353230.2, NM_001353231.2); short protein forms R392W, R410W.
Identifiers: ClinVar variation 409405 (VCV000409405.16), dbSNP rs1060502374, ClinGen allele CA16615362.